The following is an entry in ClinVar:

NM_006922.4(SCN3A):c.5493A>C (p.Lys1831Asn)

Gene: SCN3A (sodium voltage-gated channel alpha subunit 3; minus strand). Cytogenetic location: 2q24.3.
Variant type: single nucleotide variant.
Coding change: c.5493A>C on transcript NM_006922.4 (MANE Select); coding-DNA position 5493, A replaced by C.
Protein change: p.Lys1831Asn; replaces lysine 1831 with asparagine.
Molecular consequence: missense variant.
Genome position (GRCh38, 1-based): chr2:165,090,660, T>G on the plus strand (A>C on the coding strand, the complement: SCN3A is on the minus strand). VCF-style: chr2-165090660-T-G. GRCh37 (hg19) VCF-style: chr2-165947170-T-G.
Other names: c.5346A>C, p.Lys1782Asn (NM_001081676.2, NM_001081677.2); short protein forms K1831N, K1782N.
Identifiers: ClinVar variation 3697581 (VCV003697581.3).
Genomic context (GRCh38, chr2:165,090,660, plus strand): 5'-ATCAAGACAGTGGATCCGGTCACCACTGACCATGGGCAGATCCATGGCAATAAGCTGGAC[T>G]TTGTTGGGTTTTGCTATGAGAAGAGGAGGATCCAGGGCAGCTGCAAAATCAGAGAGTTTA-3'
Protein context (NP_008853.3, residues 1821-1841): DPPLLIAKPN[Lys1831Asn]VQLIAMDLPM

ClinVar aggregate classification (germline): Uncertain significance. Review status: criteria provided, single submitter (1 of 4 stars). 2 submissions from 2 submitters: Uncertain significance (1). 1 of the submissions does not count toward it. Last evaluated 2024-07-20.

Conditions:
Developmental and epileptic encephalopathy, 62. Also called: Early infantile epileptic encephalopathy 62. Identifiers: MedGen C4693699, MONDO:0033371, OMIM 617938.

Submissions (2):

Labcorp Genetics (formerly Invitae), Labcorp
Classification: Uncertain significance. Last evaluated: 2024-07-20. Review status: criteria provided, single submitter. Criteria: Invitae Variant Classification Sherloc (09022015). Collection method: clinical testing. Allele origin: germline.
Comment: This sequence change replaces lysine, which is basic and polar, with asparagine, which is neutral and polar, at codon 1831 of the SCN3A protein (p.Lys1831Asn). This variant is not present in population databases (gnomAD no frequency). This variant has not been reported in the literature in individuals affected with SCN3A-related conditions. Advanced modeling of protein sequence and biophysical properties (such as structural, functional, and spatial information, amino acid conservation, physicochemical variation, residue mobility, and thermodynamic stability) performed at Invitae indicates that this missense variant is not expected to disrupt SCN3A protein function with a negative predictive value of 95%. In summary, the available evidence is currently insufficient to determine the role of this variant in disease. Therefore, it has been classified as a Variant of Uncertain Significance.

Hong-Tao Li Lab, Institute of Brain Science and Brain-inspired Research, Shandong First Medical University & Shandong Academy of Medical Sciences China
Classification: Uncertain significance for Developmental and epileptic encephalopathy, 62. Review status: no assertion criteria provided. Collection method: research. Allele origin: germline. Inheritance: Autosomal dominant inheritance. Affected: yes. Observed: 1 variant allele, 1 heterozygote. Not counted in ClinVar's aggregate classification.
Comment: Observed in affected individuals from a Pakistani neurodevelopmental-disorder research cohort of 263 individuals. Classification assigned using the ACMG/AMP framework.